The following is an entry in ClinVar:

NM_020774.4(MIB1):c.571dup (p.Ser191fs)

Gene: MIB1 (MIB E3 ubiquitin protein ligase 1; plus strand). Cytogenetic location: 18q11.2.
Variant type: Duplication.
Coding change: c.571dup on transcript NM_020774.4 (MANE Select); coding-DNA position 571, one base duplicated (A; older notation c.571dupA).
Protein change: p.Ser191fs; shifts the reading frame from serine 191.
Molecular consequence: frameshift variant.
Genome position (GRCh38, 1-based): chr18:21,773,663, A duplicated. VCF-style (leftmost placement, unchanged base first): chr18-21773662-T-TA. GRCh37 (hg19) VCF-style: chr18-19353623-T-TA.
Other names: c.571dupA (NM_020774.3); short protein forms S191fs.
Identifiers: ClinVar variation 3054366 (VCV003054366.2), dbSNP rs2510714889, ClinGen allele CA2740093994.

ClinVar aggregate classification (germline): Uncertain significance (0 of 4 stars; one submission).

Conditions:
MIB1-related disorder. Also called: MIB1-related condition.

Submission:

PreventionGenetics, part of Exact Sciences
Classification: Uncertain significance for MIB1-related condition. Last evaluated: 2023-11-29. Review status: no assertion criteria provided. Collection method: clinical testing. Allele origin: germline.
Comment: The MIB1 c.571dupA variant is predicted to result in a frameshift and premature protein termination (p.Ser191Lysfs*9). To our knowledge, this variant has not been reported in the literature or in a large population database, indicating this variant is rare. Loss-of-function has not been established as a disease mechanism for this gene, and therefore the clinical significance of this variant is currently uncertain due to the absence of conclusive functional and genetic evidence.